The following is an entry in ClinVar:

ClinVar aggregate classification (germline): Uncertain significance (1 of 4 stars; one submission).

Conditions:
Encephalopathy, acute, infection-induced (herpes-specific), susceptibility to, 1. Also called: Herpes simplex encephalitis, susceptibility to, 1. Identifiers: Orphanet 1930, MedGen C2750180, MONDO:0024563, OMIM 610551.

Submission:

Labcorp Genetics (formerly Invitae), Labcorp
Classification: Uncertain significance for Encephalopathy, acute, infection-induced (herpes-specific), susceptibility to, 1. Last evaluated: 2024-09-17. Review status: criteria provided, single submitter. Criteria: Invitae Variant Classification Sherloc (09022015). Collection method: clinical testing. Allele origin: germline.
Comment: This sequence change replaces isoleucine, which is neutral and non-polar, with arginine, which is basic and polar, at codon 379 of the TLR3 protein (p.Ile379Arg). This variant is not present in population databases (gnomAD no frequency). This variant has not been reported in the literature in individuals affected with TLR3-related conditions. An algorithm developed to predict the effect of missense changes on protein structure and function (PolyPhen-2) suggests that this variant is likely to be tolerated. In summary, the available evidence is currently insufficient to determine the role of this variant in disease. Therefore, it has been classified as a Variant of Uncertain Significance.

NM_003265.3(TLR3):c.1136T>G (p.Ile379Arg)

Gene: TLR3 (toll like receptor 3; plus strand). Cytogenetic location: 4q35.1.
Variant type: single nucleotide variant.
Coding change: c.1136T>G on transcript NM_003265.3 (MANE Select); coding-DNA position 1136, T replaced by G.
Protein change: p.Ile379Arg; replaces isoleucine 379 with arginine.
Molecular consequence: missense variant.
Genome position (GRCh38, 1-based): chr4:186,082,822, T>G. VCF-style: chr4-186082822-T-G. GRCh37 (hg19) VCF-style: chr4-187003976-T-G.
Other names: short protein forms I379R.
Identifiers: ClinVar variation 3717608 (VCV003717608.2).